The following is an entry in ClinVar:

NM_007294.4(BRCA1):c.2679_2682del (p.Lys893fs)

Gene: BRCA1 (BRCA1 DNA repair associated; minus strand). Cytogenetic location: 17q21.31.
Variant type: Deletion.
Coding change: c.2679_2682del on transcript NM_007294.4 (MANE Select); coding-DNA positions 2679 to 2682, 4 bases deleted (GAAA; older notation c.2679_2682delGAAA).
Protein change: p.Lys893fs; shifts the reading frame from lysine 893.
Molecular consequence: frameshift variant. On other transcripts: intron variant (137).
Genome position (GRCh38, 1-based): chr17:43,092,849-43,092,852, TTTC deleted on the plus strand (GAAA on the coding strand, the reverse complement: BRCA1 is on the minus strand); deleting any 4 consecutive bases within chr17:43,092,849-43,092,855 gives the same sequence; the c. name uses the placement nearest the transcript's 3' end. VCF-style (leftmost placement, unchanged base first): chr17-43092848-GTTTC-G. GRCh37 (hg19) VCF-style: chr17-41244865-GTTTC-G.
Other names: 2798delGAAA; 2795del4; 2798_2801delGAAA; 2798del4; c.2679_2682delGAAA (NM_007294.3); c.2676_2679del, p.Lys892fs (NM_001407629.1, NM_001407630.1, NM_001407631.1 and 22 more transcripts); c.2679_2682del, p.Lys893fs (NM_001407639.1, NM_001407640.1, NM_001407641.1 and 30 more transcripts); c.2670_2673del, p.Lys890fs (NM_001407646.1, NM_001407647.1); and 46 more; short protein forms K893fs, K846fs, K766fs, K822fs, K823fs, K825fs, K826fs, K805fs.
Identifiers: ClinVar variation 37481 (VCV000037481.118), dbSNP rs80357596, ClinGen allele CA001756.

ClinVar aggregate classification (germline): Pathogenic. Review status: reviewed by expert panel (3 of 4 stars). 24 submissions from 24 submitters: Pathogenic (1). 23 of the submissions do not count toward it. Last evaluated 2016-04-22.

Conditions:
BRCA1-related cancer predisposition. Identifiers: MedGen CN377757, MONDO:0700268.
Inherited ovarian cancer (without breast cancer).
Hereditary cancer-predisposing syndrome. Also called: Neoplastic Syndromes, Hereditary; Tumor predisposition; Hereditary Cancer Syndrome; Hereditary neoplastic syndrome. Identifiers: Orphanet 140162, MedGen C0027672, MeSH D009386, MONDO:0015356.
Hereditary breast ovarian cancer syndrome. Also called: Hereditary breast and ovarian cancer; Breast and ovarian cancer; Hereditary breast and/or ovarian cancer syndrome; Hereditary breast and ovarian cancer syndrome (HBOC); Hereditary breast and ovarian cancer syndrome; BRCA1- and BRCA2-Associated Hereditary Breast and Ovarian Cancer. Identifiers: Orphanet 145, MedGen C0677776, MeSH D061325, MONDO:0003582. Disease mechanism: loss of function.
Breast-ovarian cancer, familial, susceptibility to, 1 (BROVCA1). Also called: OVARIAN CANCER, SUSCEPTIBILITY TO; BRCA1 Hereditary Breast and Ovarian Cancer. Identifiers: Orphanet 145, MedGen C2676676, MONDO:0011450, OMIM 604370. Disease mechanism: loss of function.

Submissions 1 to 9 of 24:

Evidence-based Network for the Interpretation of Germline Mutant Alleles (ENIGMA)
Classification: Pathogenic for Breast-ovarian cancer, familial, susceptibility to, 1. Last evaluated: 2016-04-22. Review status: reviewed by expert panel. Criteria: ENIGMA BRCA1/2 Classification Criteria (2015). Collection method: curation. Allele origin: germline.
Comment: Variant allele predicted to encode a truncated non-functional protein.

Genetics Laboratory, Great Ormond Street Hospital NHS Foundation Trust, North Thames Genomic Laboratory Hub
Classification: Pathogenic for Inherited ovarian cancer (without breast cancer). Last evaluated: 2026-07-31. Review status: criteria provided, single submitter. Criteria: CanVIG BRCA Gene Specific V1.22. Collection method: clinical testing. Allele origin: germline. Affected: yes. Not counted in ClinVar's aggregate classification.
Comment: PS4_supporting, PM2_supporting, PVS1_very-strong, PM5_strong

CeGaT Center for Human Genetics Tuebingen
Classification: Pathogenic. Last evaluated: 2026-06-01. Review status: criteria provided, single submitter. Criteria: CeGaT Center For Human Genetics Tuebingen Variant Classification Criteria Version 2. Collection method: clinical testing. Allele origin: germline. Affected: yes. Observed: 2 variant alleles. Not counted in ClinVar's aggregate classification.
Comment: BRCA1: PVS1, PS4:Moderate

Labcorp Genetics (formerly Invitae), Labcorp
Classification: Pathogenic for Hereditary breast ovarian cancer syndrome. Last evaluated: 2025-12-15. Review status: criteria provided, single submitter. Criteria: Invitae Variant Classification Sherloc (09022015). Collection method: clinical testing. Allele origin: germline. Not counted in ClinVar's aggregate classification.
Comment: This sequence change creates a premature translational stop signal (p.Lys893Asnfs*106) in the BRCA1 gene. It is expected to result in an absent or disrupted protein product. Loss-of-function variants in BRCA1 are known to be pathogenic (PMID: 20104584). This variant is not present in population databases (gnomAD no frequency). This premature translational stop signal has been observed in individual(s) with breast and ovarian cancer (PMID: 9145677, 22006311). This variant is also known as 2798delGAAA. ClinVar contains an entry for this variant (Variation ID: 37481). For these reasons, this variant has been classified as Pathogenic.

Color Diagnostics, LLC DBA Color Health
Classification: Pathogenic for Hereditary cancer-predisposing syndrome. Last evaluated: 2025-11-17. Review status: criteria provided, single submitter. Criteria: ACMG Guidelines, 2015. Collection method: clinical testing. Allele origin: germline. Not counted in ClinVar's aggregate classification.
Comment: This variant deletes 4 nucleotides in exon 10 of the BRCA1 gene, creating a frameshift and premature translation stop signal. This variant is expected to result in an absent or non-functional protein product. This variant has been reported in individuals affected with breast cancer and ovarian cancer (PMID: 22006311, 22333603, 22711857, 22762150, 23192404, 23772696, 30702160, 30972954, 31090900, 33471991Color internal data). Multifactorial analysis reached a combined likelihood ratio (LR) of 317963.252 based on case-control data and personal and family history for 15 carriers (PMID: 31853058, 40413188). This variant has not been identified in the general population by the Genome Aggregation Database (gnomAD). Loss of BRCA1 function is a known mechanism of disease. Based on the available evidence, this variant is classified as Pathogenic.

Dasa
Classification: Pathogenic for Breast-ovarian cancer, familial, susceptibility to, 1. Last evaluated: 2025-07-31. Review status: criteria provided, single submitter. Criteria: DASA Assertion Criteria. Collection method: clinical testing. Allele origin: germline. Not counted in ClinVar's aggregate classification.
Comment: NM_007294.4(BRCA1):c.2679_2682del (p.Lys893AsnfsTer106) is a frameshift variant in BRCA1 predicted to alter the reading frame and introduce a premature termination codon and is predicted to result in an absent or altered protein product. Loss of function is an established disease mechanism for BRCA1 (PMID: 32375709; PMID: 21989022; PMID: 11802209). The affected residue or protein region has prior evidence supporting clinical relevance. Also, this variant is absent from population databases. Based on the currently available evidence, this variant is classified as pathogenic.

St. Jude Molecular Pathology, St. Jude Children's Research Hospital
Classification: Pathogenic for Breast-ovarian cancer, familial, susceptibility to, 1. Last evaluated: 2025-06-17. Review status: criteria provided, single submitter. Criteria: St. Jude Assertion Criteria 2020. Collection method: clinical testing. Allele origin: germline. Not counted in ClinVar's aggregate classification.
Comment: The BRCA1 c.2679_2682del p.(Lys893AsnfsTer106) change deletes four nucleotides to cause a frameshift and the creation of a premature stop codon. This change is predicted to cause protein truncation or absence of protein due to nonsense-mediated decay. This variant, which is also known as 2798del4 and 2795del4 in published literature, has been reported in several individuals with HBOC-related cancers (PMID: 9145677, 9663595, 20104584, 23192404). In summary, this variant meets criteria to be classified as pathogenic.

Quest Diagnostics Nichols Institute San Juan Capistrano
Classification: Pathogenic. Last evaluated: 2025-03-25. Review status: criteria provided, single submitter. Criteria: Quest Diagnostics criteria. Collection method: clinical testing. Allele origin: unknown. Not counted in ClinVar's aggregate classification.
Comment: The BRCA1 c.2679_2682del (p.Lys893Asnfs*106) variant (also known as 2795del4, 2798del4, and 2798delGAAA) alters the translational reading frame of the BRCA1 mRNA and causes the premature termination of BRCA1 protein synthesis. In the published literature, this variant has been reported in multiple individuals and families affected with hereditary breast and/or ovarian cancer (PMIDs: 8622478 (1996), 9145677 (1997), 16528604 (2006), 20104584 (2010), 22006311 (2011), 22333603 (2012), 22711857 (2012), 30972954 (2019), 31090900 (2019), 32341426 (2020), and 38922859 (2024)). This variant has not been reported in large, multi-ethnic general populations (Genome Aggregation Database). Based on the available information, this variant is classified as pathogenic.

Ambry Genetics
Classification: Pathogenic for Hereditary cancer-predisposing syndrome. Last evaluated: 2024-08-01. Review status: criteria provided, single submitter. Criteria: Ambry Variant Classification Scheme 2023. Collection method: clinical testing. Allele origin: germline. Not counted in ClinVar's aggregate classification.
Comment: The c.2679_2682delGAAA pathogenic mutation, located in coding exon 9 of the BRCA1 gene, results from a deletion of 4 nucleotides at nucleotide positions 2679 to 2682, causing a translational frameshift with a predicted alternate stop codon (p.K893Nfs*106). This mutation has been detected in multiple individuals with hereditary breast and ovarian cancer (HBOC) syndrome (Couch FJ et al. N. Engl. J. Med. 1997 May;336:1409-15; Borg A et al. Hum. Mutat. 2010 Mar;31:E1200-40; Walsh T et al. Proc. Natl. Acad. Sci. U.S.A. 2011 Nov;108:18032-7; Alsop K et al. J. Clin. Oncol. 2012 Jul;30:2654-63; Rummel S et al. Breast Cancer Res. Treat. 2013 Jan;137:119-25; Singer CF et al. Clin. Genet. 2014 Jan;85:72-5). Of note, this alteration is also designated as 2798del4 in published literature. This variant is considered to be rare based on population cohorts in the Genome Aggregation Database (gnomAD). In addition to the clinical data presented in the literature, this alteration is expected to result in loss of function by premature protein truncation or nonsense-mediated mRNA decay. As such, this alteration is interpreted as a disease-causing mutation.